The following is an entry in ClinVar:

ClinVar aggregate classification (germline): Uncertain significance (1 of 4 stars; one submission).

Allele frequency attached by ClinVar (database versions not stated): gnomAD exomes below 0.00001; TOPMed below 0.00001.
gnomAD v4.1: 3 of 1,613,738 alleles (0.00019%); highest among the groups gnomAD compares: Non-Finnish European, 0.00025%; no homozygotes.

Submission:

Labcorp Genetics (formerly Invitae), Labcorp
Classification: Uncertain significance. Last evaluated: 2022-02-10. Review status: criteria provided, single submitter. Criteria: Invitae Variant Classification Sherloc (09022015). Collection method: clinical testing. Allele origin: germline.
Comment: This sequence change replaces glycine, which is neutral and non-polar, with serine, which is neutral and polar, at codon 2617 of the HTT protein (p.Gly2617Ser). This variant is not present in population databases (gnomAD no frequency). This variant has not been reported in the literature in individuals affected with HTT-related conditions. Experimental studies and prediction algorithms are not available or were not evaluated, and the functional significance of this variant is currently unknown. In summary, the available evidence is currently insufficient to determine the role of this variant in disease. Therefore, it has been classified as a Variant of Uncertain Significance.

NM_001388492.1(HTT):c.7843G>A (p.Gly2615Ser)

Gene: HTT (huntingtin; plus strand). Cytogenetic location: 4p16.3.
Variant type: single nucleotide variant.
Coding change: c.7843G>A on transcript NM_001388492.1 (MANE Select); coding-DNA position 7843, G replaced by A.
Protein change: p.Gly2615Ser; replaces glycine 2615 with serine.
Molecular consequence: missense variant.
Genome position (GRCh38, 1-based): chr4:3,225,738, G>A. VCF-style: chr4-3225738-G-A. GRCh37 (hg19) VCF-style: chr4-3227465-G-A.
Other names: c.7849G>A, p.Gly2617Ser (NM_002111.8); short protein forms G2617S, G2615S.
Identifiers: ClinVar variation 1488200 (VCV001488200.6), dbSNP rs1720879573, ClinGen allele CA356098660.